The following is an entry in ClinVar:

ClinVar aggregate classification (germline): Uncertain significance. Review status: criteria provided, multiple submitters, no conflicts (2 of 4 stars). 4 submissions from 4 submitters: Uncertain significance (4). Last evaluated 2025-08-24.

Conditions:
Cardiovascular phenotype. Identifiers: MedGen CN230736.
Hereditary cancer-predisposing syndrome. Also called: Hereditary Cancer Syndrome; Tumor predisposition; Neoplastic Syndromes, Hereditary; Hereditary neoplastic syndrome. Identifiers: Orphanet 140162, MedGen C0027672, MeSH D009386, MONDO:0015356.
Neurofibromatosis, type 1 (NF1). Also called: Peripheral type neurofibromatosis; VON RECKLINGHAUSEN DISEASE; NEUROFIBROMATOSIS, TYPE I, SOMATIC; Neurofibromatosis, type I. Identifiers: Orphanet 636, MedGen C0027831, MONDO:0018975, OMIM 162200. Disease mechanism: loss of function.

Submissions (4):

Labcorp Genetics (formerly Invitae), Labcorp
Classification: Uncertain significance for Neurofibromatosis, type 1. Last evaluated: 2025-08-24. Review status: criteria provided, single submitter. Criteria: Invitae Variant Classification Sherloc (09022015). Collection method: clinical testing. Allele origin: germline.
Comment: This sequence change falls in intron 49 of the NF1 gene. It does not directly change the encoded amino acid sequence of the NF1 protein. It affects a nucleotide within the consensus splice site. This variant is not present in population databases (gnomAD no frequency). This variant has not been reported in the literature in individuals affected with NF1-related conditions. ClinVar contains an entry for this variant (Variation ID: 504409). Variants that disrupt the consensus splice site are a relatively common cause of aberrant splicing (PMID: 17576681, 9536098). Algorithms developed to predict the effect of sequence changes on RNA splicing suggest that this variant is not likely to affect RNA splicing. In summary, the available evidence is currently insufficient to determine the role of this variant in disease. Therefore, it has been classified as a Variant of Uncertain Significance.

Ambry Genetics
Classification: Uncertain significance for Cardiovascular phenotype; Hereditary cancer-predisposing syndrome. Last evaluated: 2025-07-08. Review status: criteria provided, single submitter. Criteria: Ambry Variant Classification Scheme 2023. Collection method: clinical testing. Allele origin: germline.
Comment: The c.7394+5G>A intronic variant results from a G to A substitution 5 nucleotides after coding exon 49 in the NF1 gene. This nucleotide position is not well conserved in available vertebrate species. In silico splice site analysis predicts that this alteration will not have any significant effect on splicing. Since supporting evidence is limited at this time, the clinical significance of this alteration remains unclear.

Genome-Nilou Lab
Classification: Uncertain significance for Neurofibromatosis, type 1. Last evaluated: 2022-03-15. Review status: criteria provided, single submitter. Criteria: ACMG Guidelines, 2015. Collection method: clinical testing. Allele origin: germline. Affected: no.

GeneDx
Classification: Uncertain significance. Last evaluated: 2018-02-27. Review status: criteria provided, single submitter. Criteria: GeneDx Variant Classification (06012015). Collection method: clinical testing. Allele origin: germline. Affected: yes.
Comment: The c.7394+5G>A variant in the NF1 gene has not been reported previously as a pathogenic variant, nor as a benign variant, to our knowledge. Some in-silico splice prediction models predict that c.7394+5G>A may damage the splice donor site in intron 49, which may cause abnormal gene splicing. However, in the absence of RNA/functional studies, the actual effect of the c.7394+5G>A change in this individual is unknown. The c.7394+5G>A variant is not observed in large population cohorts (Lek et al., 2016). We interpret c.7394+5G>A as a variant of uncertain significance.

Literature cited by the submitters: PubMed 17576681 (cited by Labcorp Genetics (formerly Invitae), Labcorp); PubMed 9536098 (cited by Labcorp Genetics (formerly Invitae), Labcorp).

NM_001042492.3(NF1):c.7457+5G>A

Gene: NF1 (neurofibromin 1; plus strand). Cytogenetic location: 17q11.2.
Variant type: single nucleotide variant.
Coding change: c.7457+5G>A on transcript NM_001042492.3 (MANE Select); 5 bases into the intron after coding-DNA position 7457, G replaced by A.
Molecular consequence: intron variant.
Genome position (GRCh38, 1-based): chr17:31,350,323, G>A. VCF-style: chr17-31350323-G-A. GRCh37 (hg19) VCF-style: chr17-29677341-G-A.
Other names: c.7394+5G>A (NM_000267.4).
Identifiers: ClinVar variation 504409 (VCV000504409.13), dbSNP rs1555536171, ClinGen allele CA658798786.